The following is an entry in ClinVar:

ClinVar aggregate classification (germline): Conflicting classifications of pathogenicity. Review status: criteria provided, conflicting classifications (1 of 4 stars). 2 submissions from 2 submitters: Pathogenic (1); Uncertain significance (1). Last evaluated 2025-06-26.

Conditions:
Mucopolysaccharidosis, MPS-III-C (MPS3C). Also called: SANFILIPPO SYNDROME C; MPS III C; MPS IIIC (Sanfilippo Syndrome Type C); MUCOPOLYSACCHARIDOSIS, TYPE IIIC; Mucopolysaccharidosis type IIIC (Sanfilippo C); mucopolysaccharidosis type 3C. Identifiers: Orphanet 581, Orphanet 79271, MedGen C0086649, MONDO:0009657, OMIM 252930.
Retinitis pigmentosa 73 (RP73). Identifiers: Orphanet 791, MedGen C4225287, MONDO:0014687, OMIM 616544.

Allele frequency attached by ClinVar (database versions not stated): gnomAD exomes below 0.00001; TOPMed below 0.00001; ExAC 0.00001.

Submissions (2):

Women's Health and Genetics/Laboratory Corporation of America, LabCorp
Classification: Uncertain significance. Last evaluated: 2025-06-26. Review status: criteria provided, single submitter. Criteria: LabCorp Variant Classification Summary - May 2015. Collection method: clinical testing. Allele origin: germline.
Comment: Variant summary: HGSNAT c.974G>A (p.Gly325Glu) results in a non-conservative amino acid change located in the catalytic domain (IPR012429) of the encoded protein sequence. Algorithms developed to predict the effect of missense changes on protein structure and function all suggest that this variant is likely to be disruptive. The variant allele was found at a frequency of 4.6e-06 in 217102 control chromosomes. c.974G>A has been observed in individuals affected with an HGSNAT-related condition (Internal data). These data indicate that the variant may be associated with disease. To our knowledge, no experimental evidence demonstrating an impact on protein function has been reported. ClinVar contains an entry for this variant (Variation ID: 1471862). Based on the evidence outlined above, the variant was classified as VUS-possibly pathogenic.

Labcorp Genetics (formerly Invitae), Labcorp
Classification: Pathogenic for Retinitis pigmentosa 73; Mucopolysaccharidosis, MPS-III-C. Last evaluated: 2023-05-22. Review status: criteria provided, single submitter. Criteria: Invitae Variant Classification Sherloc (09022015). Collection method: clinical testing. Allele origin: germline.
Comment: ClinVar contains an entry for this variant (Variation ID: 1471862). This missense change has been observed in individual(s) with HGSNAT-related conditions (Invitae). In at least one individual the data is consistent with being in trans (on the opposite chromosome) from a pathogenic variant. It has also been observed to segregate with disease in related individuals. This variant is present in population databases (rs753315223, gnomAD 0.004%). This sequence change replaces glycine, which is neutral and non-polar, with glutamic acid, which is acidic and polar, at codon 325 of the HGSNAT protein (p.Gly325Glu). Advanced modeling of protein sequence and biophysical properties (such as structural, functional, and spatial information, amino acid conservation, physicochemical variation, residue mobility, and thermodynamic stability) performed at Invitae indicates that this missense variant is expected to disrupt HGSNAT protein function. For these reasons, this variant has been classified as Pathogenic.

NM_152419.3(HGSNAT):c.974G>A (p.Gly325Glu)

Gene: HGSNAT (heparan-alpha-glucosaminide N-acetyltransferase; plus strand). Cytogenetic location: 8p11.21.
Variant type: single nucleotide variant.
Coding change: c.974G>A on transcript NM_152419.3 (MANE Select); coding-DNA position 974, G replaced by A.
Protein change: p.Gly325Glu; replaces glycine 325 with glutamic acid.
Molecular consequence: missense variant. On other transcripts: intron variant (1).
Genome position (GRCh38, 1-based): chr8:43,178,196, G>A. VCF-style: chr8-43178196-G-A. GRCh37 (hg19) VCF-style: chr8-43033339-G-A.
Other names: c.974G>A, p.Gly325Glu (NM_001363227.2); c.110G>A, p.Gly37Glu (NM_001363229.2); c.821-3949G>A (NM_001363228.2); short protein forms G325E, G37E.
Identifiers: ClinVar variation 1471862 (VCV001471862.8), dbSNP rs753315223, ClinGen allele CA4736692.